The following is an entry in ClinVar:

ClinVar aggregate classification (germline): Likely benign. Review status: criteria provided, multiple submitters, no conflicts (2 of 4 stars). 4 submissions from 4 submitters: Likely benign (4). Last evaluated 2025-12-13.

Conditions:
Familial thoracic aortic aneurysm and aortic dissection (TAAD). Also called: Thoracic aortic aneurysms and dissections. Identifiers: Orphanet 91387, MedGen C4707243, MONDO:0019625.
Ehlers-Danlos syndrome, kyphoscoliotic type 1 (EDSKSCL1). Also called: EHLERS-DANLOS SYNDROME, TYPE VIA; Ehlers-Danlos syndrome, hydroxylysine-deficient; EHLERS-DANLOS SYNDROME, OCULAR-SCOLIOTIC TYPE; PLOD1-Related Kyphoscoliotic Ehlers-Danlos Syndrome. Identifiers: Orphanet 1900, MedGen C0268342, MONDO:0016002, OMIM 225400. Disease mechanism: loss of function.

Allele frequency attached by ClinVar (database versions not stated): gnomAD exomes 0.00005 and 0.00017; ExAC 0.00018; ESP Exome Variant Server 0.00046; gnomAD 0.00046 and 0.00052; 1000 Genomes Project 30x 0.00047; TOPMed 0.00052; 1000 Genomes Project 0.00060.
gnomAD v4.1: 150 of 1,600,932 alleles (0.0094%); highest among the groups gnomAD compares: African/African-American, 0.16%; no homozygotes.

Submissions (4):

Labcorp Genetics (formerly Invitae), Labcorp
Classification: Likely benign for Ehlers-Danlos syndrome, kyphoscoliotic type 1. Last evaluated: 2025-12-13. Review status: criteria provided, single submitter. Criteria: Invitae Variant Classification Sherloc (09022015). Collection method: clinical testing. Allele origin: germline.

Women's Health and Genetics/Laboratory Corporation of America, LabCorp
Classification: Likely benign. Last evaluated: 2025-11-26. Review status: criteria provided, single submitter. Criteria: LabCorp Variant Classification Summary - May 2015. Collection method: clinical testing. Allele origin: germline.
Comment: Variant summary: PLOD1 c.1473T>C (p.Asp491Asp) alters a non-conserved nucleotide located close to a canonical splice site and therefore could affect mRNA splicing, leading to a significantly altered protein sequence. Consensus agreement among computation tools predicts no significant impact on normal splicing. However, these predictions have yet to be confirmed by functional studies. The variant allele was found at a frequency of 0.00017 in 250922 control chromosomes, predominantly at a frequency of 0.0023 within the African or African-American subpopulation in the gnomAD database. This frequency is close to the estimated maximum for disease-causing variants in PLOD1, suggesting the variant might be benign. To our knowledge, no occurrence of c.1473T>C in individuals affected with PLOD1-related conditions and no experimental evidence demonstrating its impact on protein function have been reported. ClinVar contains an entry for this variant (Variation ID: 459808). Based on the evidence outlined above, the variant was classified as likely benign.

Ambry Genetics
Classification: Likely benign for Familial thoracic aortic aneurysm and aortic dissection. Last evaluated: 2022-03-17. Review status: criteria provided, single submitter. Criteria: Ambry Variant Classification Scheme 2023. Collection method: clinical testing. Allele origin: germline.

GeneDx
Classification: Likely benign. Last evaluated: 2019-07-29. Review status: criteria provided, single submitter. Criteria: GeneDx Variant Classification Process June 2021. Collection method: clinical testing. Allele origin: germline. Affected: yes.

NM_000302.4(PLOD1):c.1473T>C (p.Asp491=)

Gene: PLOD1 (procollagen-lysine,2-oxoglutarate 5-dioxygenase 1; plus strand). Cytogenetic location: 1p36.22.
Variant type: single nucleotide variant.
Coding change: c.1473T>C on transcript NM_000302.4 (MANE Select); coding-DNA position 1473, T replaced by C.
Protein change: p.Asp491=; no amino-acid change (aspartic acid 491 retained).
Molecular consequence: synonymous variant.
Genome position (GRCh38, 1-based): chr1:11,965,482, T>C. VCF-style: chr1-11965482-T-C. GRCh37 (hg19) VCF-style: chr1-12025539-T-C.
Other names: c.1614T>C, p.Asp538= (NM_001316320.2).
Identifiers: ClinVar variation 459808 (VCV000459808.17), dbSNP rs139165192, ClinGen allele CA598425.